The following is an entry in ClinVar:

NM_006662.3(SRCAP):c.9085A>G (p.Ser3029Gly)

Gene: SRCAP (Snf2 related CREBBP activator protein; plus strand). Cytogenetic location: 16p11.2.
Variant type: single nucleotide variant.
Coding change: c.9085A>G on transcript NM_006662.3 (MANE Select); coding-DNA position 9085, A replaced by G.
Protein change: p.Ser3029Gly; replaces serine 3029 with glycine.
Molecular consequence: missense variant.
Genome position (GRCh38, 1-based): chr16:30,739,125, A>G. VCF-style: chr16-30739125-A-G. GRCh37 (hg19) VCF-style: chr16-30750446-A-G.
Other names: short protein forms S3029G.
Identifiers: ClinVar variation 3629354 (VCV003629354.2).

ClinVar aggregate classification (germline): Uncertain significance (1 of 4 stars; one submission).

gnomAD v4.1: 3 of 1,614,214 alleles (0.00019%); highest among the groups gnomAD compares: Non-Finnish European, 0.00025%; no homozygotes.

Submission:

Labcorp Genetics (formerly Invitae), Labcorp
Classification: Uncertain significance. Last evaluated: 2025-10-02. Review status: criteria provided, single submitter. Criteria: Invitae Variant Classification Sherloc (09022015). Collection method: clinical testing. Allele origin: germline.
Comment: This sequence change replaces serine, which is neutral and polar, with glycine, which is neutral and non-polar, at codon 3029 of the SRCAP protein (p.Ser3029Gly). This variant is present in population databases (no rsID available, gnomAD 0.0009%). This variant has not been reported in the literature in individuals affected with SRCAP-related conditions. ClinVar contains an entry for this variant (Variation ID: 3629354). Invitae Evidence Modeling of protein sequence and biophysical properties (such as structural, functional, and spatial information, amino acid conservation, physicochemical variation, residue mobility, and thermodynamic stability) indicates that this missense variant is not expected to disrupt SRCAP protein function with a negative predictive value of 80%. In summary, the available evidence is currently insufficient to determine the role of this variant in disease. Therefore, it has been classified as a Variant of Uncertain Significance.